The following is an entry in ClinVar:

ClinVar aggregate classification (germline): Conflicting classifications of pathogenicity. Review status: criteria provided, conflicting classifications (1 of 4 stars). 3 submissions from 3 submitters: Uncertain significance (1); Likely benign (2). Last evaluated 2025-03-13.

Conditions:
Inborn genetic diseases. Identifiers: MedGen C0950123, MeSH D030342.

Allele frequency attached by ClinVar (database versions not stated): gnomAD exomes below 0.00001; gnomAD 0.00001; TOPMed 0.00001.
gnomAD v4.1: 7 of 1,613,862 alleles (0.00043%); highest among the groups gnomAD compares: African/African-American, 0.0013%; no homozygotes.

Submissions (3):

Labcorp Genetics (formerly Invitae), Labcorp
Classification: Likely benign. Last evaluated: 2025-03-13. Review status: criteria provided, single submitter. Criteria: Invitae Variant Classification Sherloc (09022015). Collection method: clinical testing. Allele origin: germline.

Mayo Clinic Laboratories, Mayo Clinic
Classification: Uncertain significance. Last evaluated: 2023-07-12. Review status: criteria provided, single submitter. Criteria: ACMG Guidelines, 2015. Collection method: clinical testing. Allele origin: germline. Observed: 1 variant allele.
Comment: PP2

Ambry Genetics
Classification: Likely benign for Inborn genetic diseases. Last evaluated: 2023-05-01. Review status: criteria provided, single submitter. Criteria: Ambry Variant Classification Scheme 2023. Collection method: clinical testing. Allele origin: germline.

NM_001205293.3(CACNA1E):c.2810C>T (p.Ser937Phe)

Gene: CACNA1E (calcium voltage-gated channel subunit alpha1 E; plus strand). Cytogenetic location: 1q25.3.
Variant type: single nucleotide variant.
Coding change: c.2810C>T on transcript NM_001205293.3 (MANE Select); coding-DNA position 2810, C replaced by T.
Protein change: p.Ser937Phe; replaces serine 937 with phenylalanine.
Molecular consequence: missense variant.
Genome position (GRCh38, 1-based): chr1:181,732,896, C>T. VCF-style: chr1-181732896-C-T. GRCh37 (hg19) VCF-style: chr1-181702032-C-T.
Other names: p.Ser937Phe; c.2810C>T, p.Ser937Phe (NM_000721.4); c.2753C>T, p.Ser918Phe (NM_001205294.2); short protein forms S918F, S937F.
Identifiers: ClinVar variation 2539224 (VCV002539224.4), dbSNP rs1304893896, ClinGen allele CA343619056.